The following is an entry in ClinVar:

ClinVar aggregate classification (germline): Uncertain significance (1 of 4 stars; one submission).

Submission:

Dasa
Classification: Uncertain significance. Last evaluated: 2025-12-26. Review status: criteria provided, single submitter. Criteria: DASA Assertion Criteria. Collection method: clinical testing. Allele origin: germline.
Comment: NM_000052.7(ATP7A):c.2078T>C (p.Ile693Thr) is a missense variant that results in the substitution of isoleucine with threonine. This variant is rare in population databases. The currently available literature and clinical evidence are not sufficient to establish a definitive association between this variant and the reported condition. Therefore, this variant is classified as a variant of uncertain significance.

NM_000052.7(ATP7A):c.2078T>C (p.Ile693Thr)

Gene: ATP7A (ATPase copper transporting alpha; plus strand). Cytogenetic location: Xq21.1.
Variant type: single nucleotide variant.
Coding change: c.2078T>C on transcript NM_000052.7 (MANE Select); coding-DNA position 2078, T replaced by C.
Protein change: p.Ile693Thr; replaces isoleucine 693 with threonine.
Molecular consequence: missense variant.
Genome position (GRCh38, 1-based): chrX:78,011,580, T>C. VCF-style: chrX-78011580-T-C. GRCh37 (hg19) VCF-style: chrX-77267077-T-C.
Other names: c.2078T>C, p.Ile693Thr (NM_001282224.2); short protein forms I693T.
Identifiers: ClinVar variation 4885526 (VCV004885526.2).
Genomic context (GRCh38, chrX:78,011,580, plus strand): 5'-TTATGGACCACCACTTTGCAACTCTTCACCATAATCAAAACATGAGTAAAGAAGAAATGA[T>C]CAACCTTCATTCTTCTATGTTCCTGGAGCGCCAGATTCTTCCAGGATTGTCTGTTATGAA-3'
Protein context (NP_000043.4, residues 683-703): HNQNMSKEEM[Ile693Thr]NLHSSMFLER